The following is an entry in ClinVar:

ClinVar aggregate classification (germline): Uncertain significance (1 of 4 stars; one submission).

Allele frequency attached by ClinVar (database versions not stated): gnomAD exomes below 0.00001; ExAC 0.00001; gnomAD 0.00001.
gnomAD v4.1: 7 of 1,613,146 alleles (0.00043%); highest among the groups gnomAD compares: Admixed American, 0.005%; no homozygotes.

Submission:

Labcorp Genetics (formerly Invitae), Labcorp
Classification: Uncertain significance. Last evaluated: 2024-10-28. Review status: criteria provided, single submitter. Criteria: Invitae Variant Classification Sherloc (09022015). Collection method: clinical testing. Allele origin: germline.
Comment: This sequence change replaces proline, which is neutral and non-polar, with serine, which is neutral and polar, at codon 177 of the GHSR protein (p.Pro177Ser). This variant is present in population databases (rs202238977, gnomAD 0.003%). This variant has not been reported in the literature in individuals affected with GHSR-related conditions. ClinVar contains an entry for this variant (Variation ID: 1959413). Invitae Evidence Modeling of protein sequence and biophysical properties (such as structural, functional, and spatial information, amino acid conservation, physicochemical variation, residue mobility, and thermodynamic stability) indicates that this missense variant is expected to disrupt GHSR protein function with a positive predictive value of 80%. In summary, the available evidence is currently insufficient to determine the role of this variant in disease. Therefore, it has been classified as a Variant of Uncertain Significance.

NM_198407.2(GHSR):c.529C>T (p.Pro177Ser)

Gene: GHSR (growth hormone secretagogue receptor; minus strand). Cytogenetic location: 3q26.31.
Variant type: single nucleotide variant.
Coding change: c.529C>T on transcript NM_198407.2 (MANE Select); coding-DNA position 529, C replaced by T.
Protein change: p.Pro177Ser; replaces proline 177 with serine.
Molecular consequence: missense variant.
Genome position (GRCh38, 1-based): chr3:172,447,885, G>A on the plus strand (C>T on the coding strand, the complement: GHSR is on the minus strand). VCF-style: chr3-172447885-G-A. GRCh37 (hg19) VCF-style: chr3-172165675-G-A.
Other names: c.529C>T, p.Pro177Ser (NM_004122.2); short protein forms P177S.
Identifiers: ClinVar variation 1959413 (VCV001959413.5), dbSNP rs202238977, ClinGen allele CA2706452.
Genomic context (GRCh38, chr3:172,447,885, plus strand): 5'-CGTTGGTGTCCCAAGGGTCGGTGCCGTTCTCGTGCTCCACCCCGACTAGCACGAAGATGG[G>A]CCCGGCGCTGCAGAAGGCCACGGCCCAGATGACGAAGATGACCAGCTTCACCCGCCCCTT-3'
Protein context (NP_940799.1, residues 167-187): IWAVAFCSAG[Pro177Ser]IFVLVGVEHE